The following is an entry in ClinVar:

NM_000152.5(GAA):c.1508T>C (p.Val503Ala)

Gene: GAA (alpha glucosidase; plus strand). Cytogenetic location: 17q25.3.
Variant type: single nucleotide variant.
Coding change: c.1508T>C on transcript NM_000152.5 (MANE Select); coding-DNA position 1508, T replaced by C.
Protein change: p.Val503Ala; replaces valine 503 with alanine.
Molecular consequence: missense variant.
Genome position (GRCh38, 1-based): chr17:80,110,797, T>C. VCF-style: chr17-80110797-T-C. GRCh37 (hg19) VCF-style: chr17-78084596-T-C.
Other names: c.1508T>C, p.Val503Ala (NM_001079803.3, NM_001079804.3, NM_001406741.1 and 1 more transcripts); short protein forms V503A.
Identifiers: ClinVar variation 2131661 (VCV002131661.5), dbSNP rs2510373999, ClinGen allele CA401367066.

ClinVar aggregate classification (germline): Uncertain significance. Review status: criteria provided, multiple submitters, no conflicts (2 of 4 stars). 2 submissions from 2 submitters: Uncertain significance (2). Last evaluated 2025-10-18.

Conditions:
Cardiovascular phenotype. Identifiers: MedGen CN230736.
Glycogen storage disease, type II (IOPD). Also called: CARDIOMEGALIA GLYCOGENICA DIFFUSA; POMPE DISEASE, INFANTILE-ONSET; GLYCOGEN STORAGE DISEASE II, INFANTILE-ONSET; ACID ALPHA-GLUCOSIDASE DEFICIENCY, INFANTILE-ONSET; GAA DEFICIENCY, INFANTILE-ONSET; ACID MALTASE DEFICIENCY, INFANTILE-ONSET. Identifiers: Orphanet 365, MedGen C0017921, MONDO:0009290, OMIM 232300.

Submissions (2):

Ambry Genetics
Classification: Uncertain significance for Cardiovascular phenotype. Last evaluated: 2025-10-18. Review status: criteria provided, single submitter. Criteria: Ambry Variant Classification Scheme 2023. Collection method: clinical testing. Allele origin: germline.

Labcorp Genetics (formerly Invitae), Labcorp
Classification: Uncertain significance for Glycogen storage disease, type II. Last evaluated: 2022-04-29. Review status: criteria provided, single submitter. Criteria: Invitae Variant Classification Sherloc (09022015). Collection method: clinical testing. Allele origin: germline.
Comment: In summary, the available evidence is currently insufficient to determine the role of this variant in disease. Therefore, it has been classified as a Variant of Uncertain Significance. Algorithms developed to predict the effect of missense changes on protein structure and function are either unavailable or do not agree on the potential impact of this missense change (SIFT: "Deleterious"; PolyPhen-2: "Benign"; Align-GVGD: "Class C15"). This variant has not been reported in the literature in individuals affected with GAA-related conditions. This variant is not present in population databases (gnomAD no frequency). This sequence change replaces valine, which is neutral and non-polar, with alanine, which is neutral and non-polar, at codon 503 of the GAA protein (p.Val503Ala).